The following is an entry in ClinVar:

NM_000747.3(CHRNB1):c.1245_1247delinsATC (p.Asp415_Leu416delinsGluSer)

Gene: CHRNB1 (cholinergic receptor nicotinic beta 1 subunit; plus strand). Cytogenetic location: 17p13.1.
Variant type: Indel.
Coding change: c.1245_1247delinsATC on transcript NM_000747.3 (MANE Select); coding-DNA positions 1245 to 1247, TCT replaced by ATC.
Protein change: p.Asp415_Leu416delinsGluSer.
Molecular consequence: missense variant.
Genome position (GRCh38, 1-based): chr17:7,455,821-7,455,823, TCT replaced by ATC. VCF-style: chr17-7455821-TCT-ATC. GRCh37 (hg19) VCF-style: chr17-7359140-TCT-ATC.
Identifiers: ClinVar variation 2079964 (VCV002079964.4), dbSNP rs2507874265, ClinGen allele CA2580094971.

ClinVar aggregate classification (germline): Uncertain significance (1 of 4 stars; one submission).

Conditions:
Congenital myasthenic syndrome 2A. Also called: Myasthenic syndrome, congenital, 2a, slow-channel. Identifiers: Orphanet 590, MedGen C4225374, MONDO:0014581, OMIM 616313.

Submission:

Labcorp Genetics (formerly Invitae), Labcorp
Classification: Uncertain significance for Congenital myasthenic syndrome 2A. Last evaluated: 2022-06-25. Review status: criteria provided, single submitter. Criteria: Invitae Variant Classification Sherloc (09022015). Collection method: clinical testing. Allele origin: germline.
Comment: This variant has not been reported in the literature in individuals affected with CHRNB1-related conditions. Information on the frequency of this variant in the gnomAD database is not available, as this variant may be reported differently in the database. This variant, c.1245_1247delinsATC, is a complex sequence change that results in the deletion of 2 and insertion of 2 amino acid(s) in the CHRNB1 protein (p.Asp415_Leu416delinsGluSer). Experimental studies and prediction algorithms are not available or were not evaluated, and the functional significance of this variant is currently unknown. In summary, the available evidence is currently insufficient to determine the role of this variant in disease. Therefore, it has been classified as a Variant of Uncertain Significance.